The following is an entry in ClinVar:

ClinVar aggregate classification (germline): Uncertain significance (1 of 4 stars; one submission).

Submission:

Labcorp Genetics (formerly Invitae), Labcorp
Classification: Uncertain significance. Last evaluated: 2025-07-14. Review status: criteria provided, single submitter. Criteria: Invitae Variant Classification Sherloc (09022015). Collection method: clinical testing. Allele origin: germline.
Comment: This sequence change falls in intron 100 of the COL7A1 gene. It does not directly change the encoded amino acid sequence of the COL7A1 protein. It affects a nucleotide within the consensus splice site. This variant is not present in population databases (gnomAD no frequency). This variant has not been reported in the literature in individuals affected with COL7A1-related conditions. Variants that disrupt the consensus splice site are a relatively common cause of aberrant splicing (PMID: 17576681, 9536098). Algorithms developed to predict the effect of sequence changes on RNA splicing suggest that this variant is not likely to affect RNA splicing. In summary, the available evidence is currently insufficient to determine the role of this variant in disease. Therefore, it has been classified as a Variant of Uncertain Significance.

Literature cited by the submitters: PubMed 17576681; PubMed 9536098.

NM_000094.4(COL7A1):c.7557+3G>A

Gene: COL7A1 (collagen type VII alpha 1 chain; minus strand). Cytogenetic location: 3p21.31.
Variant type: single nucleotide variant.
Coding change: c.7557+3G>A on transcript NM_000094.4 (MANE Select); 3 bases into the intron after coding-DNA position 7557, G replaced by A.
Molecular consequence: intron variant.
Genome position (GRCh38, 1-based): chr3:48,569,722, C>T on the plus strand (G>A on the coding strand, the complement: COL7A1 is on the minus strand). VCF-style: chr3-48569722-C-T. GRCh37 (hg19) VCF-style: chr3-48607155-C-T.
Identifiers: ClinVar variation 4767525 (VCV004767525.1).